The following is an entry in ClinVar:

NM_001853.4(COL9A3):c.1697G>A (p.Gly566Glu)

Gene: COL9A3 (collagen type IX alpha 3 chain; plus strand). Cytogenetic location: 20q13.33.
Variant type: single nucleotide variant.
Coding change: c.1697G>A on transcript NM_001853.4 (MANE Select); coding-DNA position 1697, G replaced by A.
Protein change: p.Gly566Glu; replaces glycine 566 with glutamic acid.
Molecular consequence: missense variant.
Genome position (GRCh38, 1-based): chr20:62,837,176, G>A. VCF-style: chr20-62837176-G-A. GRCh37 (hg19) VCF-style: chr20-61468528-G-A.
Other names: short protein forms G566E.
Identifiers: ClinVar variation 2834894 (VCV002834894.3), dbSNP rs2516089617, ClinGen allele CA409599350.
Genomic context (GRCh38, chr20:62,837,176, plus strand): 5'-AGCCTTTGGCACCCGGGTCCATTGGTCGGCCCGGTCCAGCTGGCCCCCCTGGGCCCCCAG[G>A]ACCCCCAGGCTCCATTGGTCACCCTGGCGCTCGAGGACCCCCTGGATACCGCGGTCCCAC-3'
Protein context (NP_001844.3, residues 556-576): PGPAGPPGPP[Gly566Glu]PPGSIGHPGA

ClinVar aggregate classification (germline): Uncertain significance (1 of 4 stars; one submission).

Allele frequency attached by ClinVar (database versions not stated): gnomAD exomes below 0.00001.
gnomAD v4.1: 1 of 1,612,344 alleles (0.000062%); highest among the groups gnomAD compares: Non-Finnish European, 0.000085%; no homozygotes.

Submission:

Labcorp Genetics (formerly Invitae), Labcorp
Classification: Uncertain significance. Last evaluated: 2023-02-05. Review status: criteria provided, single submitter. Criteria: Invitae Variant Classification Sherloc (09022015). Collection method: clinical testing. Allele origin: germline.
Comment: In summary, the available evidence is currently insufficient to determine the role of this variant in disease. Therefore, it has been classified as a Variant of Uncertain Significance. Advanced modeling of protein sequence and biophysical properties (such as structural, functional, and spatial information, amino acid conservation, physicochemical variation, residue mobility, and thermodynamic stability) performed at Invitae indicates that this missense variant is expected to disrupt COL9A3 protein function. This variant has not been reported in the literature in individuals affected with COL9A3-related conditions. This variant is not present in population databases (gnomAD no frequency). This sequence change replaces glycine, which is neutral and non-polar, with glutamic acid, which is acidic and polar, at codon 566 of the COL9A3 protein (p.Gly566Glu).